The following is an entry in ClinVar:

NM_001101362.3(KBTBD13):c.152G>C (p.Gly51Ala)

Gene: KBTBD13 (kelch repeat and BTB domain containing 13; plus strand). Cytogenetic location: 15q22.31.
Variant type: single nucleotide variant.
Coding change: c.152G>C on transcript NM_001101362.3 (MANE Select); coding-DNA position 152, G replaced by C.
Protein change: p.Gly51Ala; replaces glycine 51 with alanine.
Molecular consequence: missense variant.
Genome position (GRCh38, 1-based): chr15:65,076,967, G>C. VCF-style: chr15-65076967-G-C. GRCh37 (hg19) VCF-style: chr15-65369305-G-C.
Other names: short protein forms G51A.
Identifiers: ClinVar variation 2958883 (VCV002958883.3), dbSNP rs2506304884, ClinGen allele CA392856739.

ClinVar aggregate classification (germline): Uncertain significance (1 of 4 stars; one submission).

Conditions:
Nemaline myopathy 6 (NEM6). Also called: Nemaline myopathy 6, autosomal dominant. Identifiers: Orphanet 171439, MedGen C1836472, MONDO:0012237, OMIM 609273.

Submission:

Labcorp Genetics (formerly Invitae), Labcorp
Classification: Uncertain significance for Nemaline myopathy 6. Last evaluated: 2023-07-28. Review status: criteria provided, single submitter. Criteria: Invitae Variant Classification Sherloc (09022015). Collection method: clinical testing. Allele origin: germline.
Comment: In summary, the available evidence is currently insufficient to determine the role of this variant in disease. Therefore, it has been classified as a Variant of Uncertain Significance. Advanced modeling of protein sequence and biophysical properties (such as structural, functional, and spatial information, amino acid conservation, physicochemical variation, residue mobility, and thermodynamic stability) performed at Invitae indicates that this missense variant is not expected to disrupt KBTBD13 protein function. This variant has not been reported in the literature in individuals affected with KBTBD13-related conditions. This variant is not present in population databases (gnomAD no frequency). This sequence change replaces glycine, which is neutral and non-polar, with alanine, which is neutral and non-polar, at codon 51 of the KBTBD13 protein (p.Gly51Ala).